The following is an entry in ClinVar:

NM_001375524.1(TRRAP):c.5805C>T (p.Thr1935=)

Gene: TRRAP (transformation/transcription domain associated protein; plus strand). Cytogenetic location: 7q22.1.
Variant type: single nucleotide variant.
Coding change: c.5805C>T on transcript NM_001375524.1 (MANE Select); coding-DNA position 5805, C replaced by T.
Protein change: p.Thr1935=; no amino-acid change (threonine 1935 retained).
Molecular consequence: synonymous variant.
Genome position (GRCh38, 1-based): chr7:98,955,172, C>T. VCF-style: chr7-98955172-C-T. GRCh37 (hg19) VCF-style: chr7-98552795-C-T.
Other names: c.5784C>T, p.Thr1928= (NM_001244580.2); c.5730C>T, p.Thr1910= (NM_003496.4).
Identifiers: ClinVar variation 4823420 (VCV004823420.4).

ClinVar aggregate classification (germline): Likely benign (1 of 4 stars; one submission).

gnomAD v4.1: 1 of 1,614,146 alleles (0.000062%); no homozygotes.

Submission:

CeGaT Center for Human Genetics Tuebingen
Classification: Likely benign. Last evaluated: 2026-02-01. Review status: criteria provided, single submitter. Criteria: CeGaT Center For Human Genetics Tuebingen Variant Classification Criteria Version 2. Collection method: clinical testing. Allele origin: germline. Affected: yes. Observed: 1 variant allele.
Comment: TRRAP: BP4, BP7